The following is an entry in ClinVar:

ClinVar aggregate classification (germline): Likely pathogenic (1 of 4 stars; one submission).

Conditions:
Nemaline myopathy. Also called: Myopathies, Nemaline. Identifiers: Orphanet 607, MedGen C0206157, MONDO:0018958.

Submission:

Women's Health and Genetics/Laboratory Corporation of America, LabCorp
Classification: Likely pathogenic for Nemaline myopathy. Last evaluated: 2025-04-10. Review status: criteria provided, single submitter. Criteria: LabCorp Variant Classification Summary - May 2015. Collection method: clinical testing. Allele origin: germline.
Comment: Variant summary: NEB c.11077-2A>T is located in a canonical splice-site and is predicted to affect mRNA splicing resulting in a significantly altered protein due to either exon skipping, shortening, or inclusion of intronic material. Variants that disrupt the consensus splice site are a relatively common cause of aberrant splicing and loss of NEB function. Several computational tools predict a significant impact on normal splicing: Four predict the variant abolishes a 3' acceptor site. However, these predictions have yet to be confirmed by functional studies. The variant allele was found at a frequency of 0.00011 in 37968 control chromosomes. To our knowledge, no occurrence of c.11077-2A>T in individuals affected with Nemaline Myopathy 2 and no experimental evidence demonstrating its impact on protein function have been reported. No submitters have cited clinical-significance assessments for this variant to ClinVar. Based on the evidence outlined above, the variant was classified as likely pathogenic.

NM_001164508.2(NEB):c.11077-2A>T

Gene: NEB (nebulin; minus strand). Cytogenetic location: 2q23.3.
Variant type: single nucleotide variant.
Coding change: c.11077-2A>T on transcript NM_001164508.2 (MANE Select); the canonical splice acceptor site of the intron before coding-DNA position 11077, A replaced by T.
Molecular consequence: splice acceptor variant.
Genome position (GRCh38, 1-based): chr2:151,617,470, T>A on the plus strand (A>T on the coding strand, the complement: NEB is on the minus strand). VCF-style: chr2-151617470-T-A. GRCh37 (hg19) VCF-style: chr2-152473984-T-A.
Other names: c.10348-2A>T (NM_004543.5); c.11077-2A>T (NM_001164507.2, NM_001271208.2).
Identifiers: ClinVar variation 3896357 (VCV003896357.2).